The following is an entry in ClinVar:

NM_015466.4(PTPN23):c.4083C>A (p.Pro1361=)

Gene: PTPN23 (protein tyrosine phosphatase non-receptor type 23; plus strand). Cytogenetic location: 3p21.31.
Variant type: single nucleotide variant.
Coding change: c.4083C>A on transcript NM_015466.4 (MANE Select); coding-DNA position 4083, C replaced by A.
Protein change: p.Pro1361=; no amino-acid change (proline 1361 retained).
Molecular consequence: synonymous variant.
Genome position (GRCh38, 1-based): chr3:47,412,103, C>A. VCF-style: chr3-47412103-C-A. GRCh37 (hg19) VCF-style: chr3-47453593-C-A.
Other names: c.3705C>A, p.Pro1235= (NM_001304482.2).
Identifiers: ClinVar variation 1576805 (VCV001576805.39), dbSNP rs200311135, ClinGen allele CA2366461.
Genomic context (GRCh38, chr3:47,412,103, plus strand): 5'-TCAGGTCAGGCCTGGCTCATAGGCTCTTCCTGGCCCCATCCTGTCCCACAGAGGCCTGCC[C>A]GACAGCCCCAGCAACTTGCTGCGCTTCATCCAGGAGGTGCACGCACATTACCTGCATCAG-3'
Protein context (NP_056281.1, residues 1351-1371): HFPTWPELGL[Pro1361=]DSPSNLLRFI

ClinVar aggregate classification (germline): Likely benign. Review status: criteria provided, multiple submitters, no conflicts (2 of 4 stars). 3 submissions from 3 submitters: Likely benign (3). Last evaluated 2025-12-27.

gnomAD v4.1: 73 of 1,612,930 alleles (0.0045%); highest among the groups gnomAD compares: Middle Eastern, 0.066%; no homozygotes.

Submissions (3):

Labcorp Genetics (formerly Invitae), Labcorp
Classification: Likely benign. Last evaluated: 2025-12-27. Review status: criteria provided, single submitter. Criteria: Invitae Variant Classification Sherloc (09022015). Collection method: clinical testing. Allele origin: germline.

Blueprint Genetics
Classification: Likely benign. Last evaluated: 2024-11-26. Review status: criteria provided, single submitter. Criteria: ACMG Guidelines, 2015. Collection method: clinical testing. Allele origin: germline.

CeGaT Center for Human Genetics Tuebingen
Classification: Likely benign. Last evaluated: 2022-07-01. Review status: criteria provided, single submitter. Criteria: CeGaT Center For Human Genetics Tuebingen Variant Classification Criteria Version 2. Collection method: clinical testing. Allele origin: germline. Affected: yes. Observed: 1 variant allele.
Comment: PTPN23: BP4, BP7